The following is an entry in ClinVar:

NC_000013.10:g.(?_23667335)_(23869646_?)dup

Genes: SGCG (sarcoglycan gamma; plus strand), LINC00362 (long intergenic non-protein coding RNA 362; minus strand), LOC130009362 (ATAC-STARR-seq lymphoblastoid active region 7449; plus strand), LOC132090179 (Neanderthal introgressed variant-containing enhancer experimental_32684; plus strand). Cytogenetic location: 13q12.12.
Variant type: Duplication.
Identifiers: ClinVar variation 583759 (VCV000583759.2).

ClinVar aggregate classification (germline): Uncertain significance (1 of 4 stars; one submission).

Conditions:
Autosomal recessive limb-girdle muscular dystrophy type 2C (LGMDR5). Also called: MUSCULAR DYSTROPHY, LIMB-GIRDLE, AUTOSOMAL RECESSIVE 5; MUSCULAR DYSTROPHY, DUCHENNE-LIKE. Identifiers: Orphanet 353, MedGen C0410173, MONDO:0009677, OMIM 253700. Disease mechanism: Affects gamma-sarcoglycan and also disrupts the integrity of the entire sarcoglycan complex..

Submission:

Labcorp Genetics (formerly Invitae), Labcorp
Classification: Uncertain significance for Autosomal recessive limb-girdle muscular dystrophy type 2C. Last evaluated: 2022-06-04. Review status: criteria provided, single submitter. Criteria: Invitae Variant Classification Sherloc (09022015). Collection method: clinical testing. Allele origin: germline.
Comment: This variant results in a copy number gain of the genomic region encompassing exon(s) 1-6 of the SGCG gene. This region includes the initiator codon of the gene. This copy number gain extends beyond the assayed region for this gene and therefore may encompass additional genes. As the precise location of this event is unknown, it may be in tandem or it may be located elsewhere in the genome. This variant has not been reported in the literature in individuals affected with SGCG-related conditions. In summary, the available evidence is currently insufficient to determine the role of this variant in disease. Therefore, it has been classified as a Variant of Uncertain Significance.